The following is an entry in ClinVar:

NM_000548.5(TSC2):c.3422C>G (p.Ala1141Gly)

Gene: TSC2 (TSC complex subunit 2; plus strand). Cytogenetic location: 16p13.3.
Variant type: single nucleotide variant.
Coding change: c.3422C>G on transcript NM_000548.5 (MANE Select); coding-DNA position 3422, C replaced by G.
Protein change: p.Ala1141Gly; replaces alanine 1141 with glycine.
Molecular consequence: missense variant. On other transcripts: non-coding transcript variant (5).
Genome position (GRCh38, 1-based): chr16:2,080,189, C>G. VCF-style: chr16-2080189-C-G. GRCh37 (hg19) VCF-style: chr16-2130190-C-G.
Other names: c.1946C>G, p.Ala649Gly (NM_001406691.1, NM_001406695.1, NM_001406696.1 and 1 more transcripts); c.1949C>G, p.Ala650Gly (NM_001406692.1, NM_001406693.1, NM_001406694.1 and 1 more transcripts); c.2690C>G, p.Ala897Gly (NM_001406688.1, NM_001318831.2, NM_001406687.1); c.2078C>G, p.Ala693Gly (NM_001406689.1); c.3290C>G, p.Ala1097Gly (NM_001077183.3, NM_001370404.1, NM_001406665.1); c.3422C>G, p.Ala1141Gly (NM_001114382.3); c.3182C>G, p.Ala1061Gly (NM_001318827.2); c.3146C>G, p.Ala1049Gly (NM_001318829.2); and 18 more; short protein forms A1078G, A1091G, A1092G, A1098G, A1127G, A1141G, A650G, A941G.
Identifiers: ClinVar variation 2792741 (VCV002792741.3), dbSNP rs34870424, ClinGen allele CA394288521.

ClinVar aggregate classification (germline): Uncertain significance (1 of 4 stars; one submission).

Conditions:
Tuberous sclerosis 2 (TSC2). Identifiers: Orphanet 805, MedGen C1860707, MONDO:0013199, OMIM 613254.

Submission:

Labcorp Genetics (formerly Invitae), Labcorp
Classification: Uncertain significance for Tuberous sclerosis 2. Last evaluated: 2023-07-16. Review status: criteria provided, single submitter. Criteria: Invitae Variant Classification Sherloc (09022015). Collection method: clinical testing. Allele origin: germline.
Comment: This variant is not present in population databases (gnomAD no frequency). In summary, the available evidence is currently insufficient to determine the role of this variant in disease. Therefore, it has been classified as a Variant of Uncertain Significance. Advanced modeling of protein sequence and biophysical properties (such as structural, functional, and spatial information, amino acid conservation, physicochemical variation, residue mobility, and thermodynamic stability) performed at Invitae indicates that this missense variant is not expected to disrupt TSC2 protein function. This variant has not been reported in the literature in individuals affected with TSC2-related conditions. This sequence change replaces alanine, which is neutral and non-polar, with glycine, which is neutral and non-polar, at codon 1141 of the TSC2 protein (p.Ala1141Gly).